The following is an entry in ClinVar:

NM_002185.5(IL7R):c.32T>C (p.Val11Ala)

Gene: IL7R (interleukin 7 receptor; plus strand). Cytogenetic location: 5p13.2.
Variant type: single nucleotide variant.
Coding change: c.32T>C on transcript NM_002185.5 (MANE Select); coding-DNA position 32, T replaced by C.
Protein change: p.Val11Ala; replaces valine 11 with alanine.
Molecular consequence: missense variant. On other transcripts: non-coding transcript variant (1).
Genome position (GRCh38, 1-based): chr5:35,857,009, T>C. VCF-style: chr5-35857009-T-C. GRCh37 (hg19) VCF-style: chr5-35857111-T-C.
Other names: short protein forms V11A.
Identifiers: ClinVar variation 961385 (VCV000961385.7), dbSNP rs539820821, ClinGen allele CA3231819.
Genomic context (GRCh38, chr5:35,857,009, plus strand): 5'-ATCTACTCTCTCTCTCTATCTCTCTCAGAATGACAATTCTAGGTACAACTTTTGGCATGG[T>C]TTTTTCTTTACTTCAAGTCGTTTCTGGAGAAAGTGGCTATGCTCAAAATGGTGAGTCATT-3'
Protein context (NP_002176.2, residues 1-21): MTILGTTFGM[Val11Ala]FSLLQVVSGE

ClinVar aggregate classification (germline): Uncertain significance (1 of 4 stars; one submission).

Conditions:
Immunodeficiency 104. Also called: Severe combined immunodeficiency, autosomal recessive, T cell-negative, B cell-positive, NK cell-positive; IMMUNODEFICIENCY 104, SEVERE COMBINED; Severe Combined Immune Deficiency, Autosomal Recessive, TCell -Negative, B Cell-Positive, NK Cell-Positive, IL7R-Related; SCID, AUTOSOMAL RECESSIVE, T CELL-NEGATIVE, B CELL-POSITIVE, NK CELL-POSITIVE. Identifiers: MedGen C5676890, MONDO:0012163, OMIM 608971.

Allele frequency attached by ClinVar (database versions not stated): ExAC 0.00001; gnomAD 0.00001; gnomAD exomes 0.00001; TOPMed 0.00006; 1000 Genomes Project 30x 0.00016; 1000 Genomes Project 0.00020.
gnomAD v4.1: 8 of 1,609,688 alleles (0.0005%); highest among the groups gnomAD compares: Admixed American, 0.0067%; no homozygotes.

Submission:

Labcorp Genetics (formerly Invitae), Labcorp
Classification: Uncertain significance for Immunodeficiency 104. Last evaluated: 2022-07-30. Review status: criteria provided, single submitter. Criteria: Invitae Variant Classification Sherloc (09022015). Collection method: clinical testing. Allele origin: germline.
Comment: This sequence change replaces valine, which is neutral and non-polar, with alanine, which is neutral and non-polar, at codon 11 of the IL7R protein (p.Val11Ala). This variant is present in population databases (rs539820821, gnomAD 0.003%). This variant has not been reported in the literature in individuals affected with IL7R-related conditions. ClinVar contains an entry for this variant (Variation ID: 961385). Advanced modeling of protein sequence and biophysical properties (such as structural, functional, and spatial information, amino acid conservation, physicochemical variation, residue mobility, and thermodynamic stability) performed at Invitae indicates that this missense variant is not expected to disrupt IL7R protein function. In summary, the available evidence is currently insufficient to determine the role of this variant in disease. Therefore, it has been classified as a Variant of Uncertain Significance.